The following is an entry in ClinVar:

NM_001909.5(CTSD):c.574G>A (p.Ala192Thr)

Gene: CTSD (cathepsin D; minus strand). Cytogenetic location: 11p15.5.
Variant type: single nucleotide variant.
Coding change: c.574G>A on transcript NM_001909.5 (MANE Select); coding-DNA position 574, G replaced by A.
Protein change: p.Ala192Thr; replaces alanine 192 with threonine.
Molecular consequence: missense variant.
Genome position (GRCh38, 1-based): chr11:1,757,454, C>T on the plus strand (G>A on the coding strand, the complement: CTSD is on the minus strand). VCF-style: chr11-1757454-C-T. GRCh37 (hg19) VCF-style: chr11-1778684-C-T.
Other names: short protein forms A192T.
Identifiers: ClinVar variation 1379699 (VCV001379699.3), dbSNP rs767282477, ClinGen allele CA5814136.

ClinVar aggregate classification (germline): Uncertain significance (1 of 4 stars; one submission).

Conditions:
Neuronal ceroid lipofuscinosis. Also called: Neuronal Ceroid Lipofuscinoses. Identifiers: Orphanet 216, Orphanet 79263, MedGen C0027877, MONDO:0016295. Disease mechanism: loss of function.

Allele frequency attached by ClinVar (database versions not stated): TOPMed 0.00001; ExAC 0.00003.
gnomAD v4.1: 16 of 1,614,098 alleles (0.00099%); highest among the groups gnomAD compares: Non-Finnish European, 0.0014%; no homozygotes.

Submission:

Labcorp Genetics (formerly Invitae), Labcorp
Classification: Uncertain significance for Neuronal ceroid lipofuscinosis. Last evaluated: 2021-12-30. Review status: criteria provided, single submitter. Criteria: Invitae Variant Classification Sherloc (09022015). Collection method: clinical testing. Allele origin: germline.
Comment: This sequence change replaces alanine, which is neutral and non-polar, with threonine, which is neutral and polar, at codon 192 of the CTSD protein (p.Ala192Thr). This variant is present in population databases (rs767282477, gnomAD 0.004%). This variant has not been reported in the literature in individuals affected with CTSD-related conditions. Algorithms developed to predict the effect of missense changes on protein structure and function are either unavailable or do not agree on the potential impact of this missense change (SIFT: "Tolerated"; PolyPhen-2: "Possibly Damaging"; Align-GVGD: "Class C0"). In summary, the available evidence is currently insufficient to determine the role of this variant in disease. Therefore, it has been classified as a Variant of Uncertain Significance.